The following is an entry in ClinVar:

NM_022124.6(CDH23):c.9437C>G (p.Ala3146Gly)

Gene: CDH23 (cadherin related 23; plus strand). Cytogenetic location: 10q22.1.
Variant type: single nucleotide variant.
Coding change: c.9437C>G on transcript NM_022124.6 (MANE Select); coding-DNA position 9437, C replaced by G.
Protein change: p.Ala3146Gly; replaces alanine 3146 with glycine.
Molecular consequence: missense variant.
Genome position (GRCh38, 1-based): chr10:71,812,536, C>G. VCF-style: chr10-71812536-C-G. GRCh37 (hg19) VCF-style: chr10-73572293-C-G.
Other names: c.2717C>G, p.Ala906Gly (NM_001171933.1, NM_001171934.1); c.128C>G, p.Ala43Gly (NM_001171935.1, NM_001171936.1); short protein forms A3146G, A43G, A906G.
Identifiers: ClinVar variation 2980457 (VCV002980457.3), dbSNP rs779480321, ClinGen allele CA377136583.

ClinVar aggregate classification (germline): Uncertain significance (1 of 4 stars; one submission).

gnomAD v4.1: 1 of 1,613,356 alleles (0.000062%); highest among the groups gnomAD compares: Admixed American, 0.0017%; no homozygotes.

Submission:

Labcorp Genetics (formerly Invitae), Labcorp
Classification: Uncertain significance. Last evaluated: 2023-01-02. Review status: criteria provided, single submitter. Criteria: Invitae Variant Classification Sherloc (09022015). Collection method: clinical testing. Allele origin: germline.
Comment: This variant has not been reported in the literature in individuals affected with CDH23-related conditions. In summary, the available evidence is currently insufficient to determine the role of this variant in disease. Therefore, it has been classified as a Variant of Uncertain Significance. Advanced modeling of protein sequence and biophysical properties (such as structural, functional, and spatial information, amino acid conservation, physicochemical variation, residue mobility, and thermodynamic stability) performed at Invitae indicates that this missense variant is not expected to disrupt CDH23 protein function. This variant is present in population databases (no rsID available, gnomAD 0.1%). This sequence change replaces alanine, which is neutral and non-polar, with glycine, which is neutral and non-polar, at codon 3146 of the CDH23 protein (p.Ala3146Gly).